The following is an entry in ClinVar:

ClinVar aggregate classification (germline): Uncertain significance (1 of 4 stars; one submission).

Conditions:
Muscular dystrophy-dystroglycanopathy (congenital with brain and eye anomalies), type A2. Also called: MUSCULAR DYSTROPHY-DYSTROGLYCANOPATHY (CONGENITAL WITH BRAIN AND EYE ANOMALIES), TYPE A, 2; WALKER-WARBURG SYNDROME OR MUSCLE-EYE-BRAIN DISEASE, POMT2-RELATED. Identifiers: Orphanet 588, Orphanet 899, MedGen C3150411, MONDO:0013154, OMIM 613150.
Autosomal recessive limb-girdle muscular dystrophy type 2N. Also called: MUSCULAR DYSTROPHY-DYSTROGLYCANOPATHY, LIMB-GIRDLE, POMT2-RELATED; Muscular dystrophy-dystroglycanopathy (limb-girdle), type C, 2. Identifiers: Orphanet 206559, MedGen C3150418, MONDO:0013162, OMIM 613158.
Muscular dystrophy-dystroglycanopathy (congenital with impaired intellectual development), type B, 2. Also called: MUSCULAR DYSTROPHY, CONGENITAL, POMT2-RELATED; Muscular dystrophy-dystroglycanopathy (congenital with intellectual disability), type B2. Identifiers: MedGen C3150416, MONDO:0013160, OMIM 613156.

Submission:

Labcorp Genetics (formerly Invitae), Labcorp
Classification: Uncertain significance for Muscular dystrophy-dystroglycanopathy (congenital with impaired intellectual development), type B, 2; Muscular dystrophy-dystroglycanopathy (congenital with brain and eye anomalies), type A2; Autosomal recessive limb-girdle muscular dystrophy type 2N. Last evaluated: 2022-08-16. Review status: criteria provided, single submitter. Criteria: Invitae Variant Classification Sherloc (09022015). Collection method: clinical testing. Allele origin: germline.
Comment: In summary, the available evidence is currently insufficient to determine the role of this variant in disease. Therefore, it has been classified as a Variant of Uncertain Significance. Algorithms developed to predict the effect of missense changes on protein structure and function (SIFT, PolyPhen-2, Align-GVGD) all suggest that this variant is likely to be disruptive. ClinVar contains an entry for this variant (Variation ID: 1417218). This variant has not been reported in the literature in individuals affected with POMT2-related conditions. This variant is not present in population databases (gnomAD no frequency). This sequence change replaces asparagine, which is neutral and polar, with serine, which is neutral and polar, at codon 422 of the POMT2 protein (p.Asn422Ser).

NM_013382.7(POMT2):c.1265A>G (p.Asn422Ser)

Gene: POMT2 (protein O-mannosyltransferase 2; minus strand). Cytogenetic location: 14q24.3.
Variant type: single nucleotide variant.
Coding change: c.1265A>G on transcript NM_013382.7 (MANE Select); coding-DNA position 1265, A replaced by G.
Protein change: p.Asn422Ser; replaces asparagine 422 with serine.
Molecular consequence: missense variant.
Genome position (GRCh38, 1-based): chr14:77,286,811, T>C on the plus strand (A>G on the coding strand, the complement: POMT2 is on the minus strand). VCF-style: chr14-77286811-T-C. GRCh37 (hg19) VCF-style: chr14-77753154-T-C.
Other names: short protein forms N422S.
Identifiers: ClinVar variation 1417218 (VCV001417218.4), dbSNP rs2140188544, ClinGen allele CA390517781.